The following is an entry in ClinVar:

GRCh38/hg38 11q12.1(chr11:57372226-57936167)x3

Genes: MED19 (mediator complex subunit 19; minus strand), MIR130A (microRNA 130a; plus strand), MIR130AHG (MIR130A host gene; plus strand), P2RX3 (purinergic receptor P2X 3; plus strand), PRG2 (proteoglycan 2, pro eosinophil major basic protein; minus strand) and 45 more. Cytogenetic location: 11q12.1.
Variant type: copy number gain.
Change: copy number 3 (three copies instead of two) of chr11:57,372,226-57,936,167 (563.9 kb, GRCh38 coordinates, 1-based), cytogenetic band 11q12.1.
Identifiers: ClinVar variation 58162 (VCV000058162.1).

ClinVar aggregate classification (germline): Uncertain significance (1 of 4 stars; one submission).

Submission:

ISCA site 14
Classification: Uncertain significance. Last evaluated: 2011-08-12. Review status: criteria provided, single submitter. Criteria: Kaminsky et al. (Genet Med. 2011). Collection method: clinical testing. Allele origin: unknown. Affected: yes. Observed: 1 variant allele.
Comment: Copy number variation identified through the course of routine clinical cytogenomic testing in postnatal populations. Clinical assertions have been curated as described in Kaminsky et al. 2011.